The following is an entry in ClinVar:

ClinVar aggregate classification (germline): Likely benign. Review status: criteria provided, multiple submitters, no conflicts (2 of 4 stars). 3 submissions from 3 submitters: Likely benign (3). Last evaluated 2026-05-01.

Conditions:
Spondyloepimetaphyseal dysplasia, PAPSS2 type. Also called: BRACHYOLMIA TYPE 4 WITH MILD EPIPHYSEAL AND METAPHYSEAL CHANGES; SPONDYLODYSPLASIA AND PREMATURE PUBARCHE; SEMD, PAKISTANI TYPE. Identifiers: Orphanet 93282, MedGen C2748516, MONDO:0019666, OMIM 612847.

Submissions (3):

CeGaT Center for Human Genetics Tuebingen
Classification: Likely benign. Last evaluated: 2026-05-01. Review status: criteria provided, single submitter. Criteria: CeGaT Center For Human Genetics Tuebingen Variant Classification Criteria Version 2. Collection method: clinical testing. Allele origin: germline. Affected: yes. Observed: 3 variant alleles.
Comment: PAPSS2: BS2

Blueprint Genetics
Classification: Likely benign. Last evaluated: 2024-11-06. Review status: criteria provided, single submitter. Criteria: ACMG Guidelines, 2015. Collection method: clinical testing. Allele origin: germline.

Labcorp Genetics (formerly Invitae), Labcorp
Classification: Likely benign for Spondyloepimetaphyseal dysplasia, PAPSS2 type. Last evaluated: 2022-09-06. Review status: criteria provided, single submitter. Criteria: Invitae Variant Classification Sherloc (09022015). Collection method: clinical testing. Allele origin: germline.

NM_001015880.2(PAPSS2):c.381+12_381+24dup

Gene: PAPSS2 (3'-phosphoadenosine 5'-phosphosulfate synthase 2; plus strand). Cytogenetic location: 10q23.31.
Variant type: Duplication.
Coding change: c.381+12_381+24dup on transcript NM_001015880.2 (MANE Select); bases 12 to 24 of the intron after coding-DNA position 381, 13 bases duplicated (AAAAAAAAAAAAA).
Molecular consequence: intron variant.
Genome position (GRCh38, 1-based): chr10:87,713,322-87,713,334, AAAAAAAAAAAAA duplicated; duplicating any 13 consecutive bases within chr10:87,713,313-87,713,334 gives the same sequence; the c. name uses the placement nearest the transcript's 3' end. VCF-style (leftmost placement, unchanged base first): chr10-87713312-T-TAAAAAAAAAAAAA. GRCh37 (hg19) VCF-style: chr10-89473069-T-TAAAAAAAAAAAAA.
Other names: c.381+12_381+24dup (NM_004670.4).
Identifiers: ClinVar variation 1593278 (VCV001593278.16), dbSNP rs367885911, ClinGen allele CA669549348.